The following is an entry in ClinVar:

NM_018136.5(ASPM):c.7761T>C (p.Tyr2587=)

Gene: ASPM (assembly factor for spindle microtubules; minus strand). Cytogenetic location: 1q31.3.
Variant type: single nucleotide variant.
Coding change: c.7761T>C on transcript NM_018136.5 (MANE Select); coding-DNA position 7761, T replaced by C.
Protein change: p.Tyr2587=; no amino-acid change (tyrosine 2587 retained).
Molecular consequence: synonymous variant. On other transcripts: intron variant (1).
Genome position (GRCh38, 1-based): chr1:197,101,490, A>G on the plus strand (T>C on the coding strand, the complement: ASPM is on the minus strand). VCF-style: chr1-197101490-A-G. GRCh37 (hg19) VCF-style: chr1-197070620-A-G.
Other names: c.4066-5326T>C (NM_001206846.2).
Identifiers: ClinVar variation 510051 (VCV000510051.28), dbSNP rs189678019, ClinGen allele CA1309341.
Genomic context (GRCh38, chr1:197,101,490, plus strand): 5'-ACAAGTCTCTTTCTTAAGTTCATTGTGTTGAAATACTTTCTGTTTCTTTTTATTTGCTCT[A>G]TATTTTTCTTGTATGATTTTTGTAGCCCACTGAAGCTTTTGGTAGAAACAATACTGCCTA-3'
Protein context (NP_060606.3, residues 2577-2597): QWATKIIQEK[Tyr2587=]RANKKKQKVF

ClinVar aggregate classification (germline): Likely benign. Review status: criteria provided, multiple submitters, no conflicts (2 of 4 stars). 4 submissions from 4 submitters: Likely benign (4). Last evaluated 2023-04-11.

Conditions:
Microcephaly 5, primary, autosomal recessive (MCPH5). Also called: ASPM Primary Microcephaly. Identifiers: Orphanet 2512, MedGen C1837501, MONDO:0012106, OMIM 608716.

Allele frequency attached by ClinVar (database versions not stated): gnomAD exomes 0.00002 and 0.00003; TOPMed 0.00002; ExAC 0.00003; gnomAD 0.00003; 1000 Genomes Project 30x 0.00016; 1000 Genomes Project 0.00020.
gnomAD v4.1: 40 of 1,609,446 alleles (0.0025%); highest among the groups gnomAD compares: Non-Finnish European, 0.0032%; no homozygotes.

Submissions (4):

Genome-Nilou Lab
Classification: Likely benign for Microcephaly 5, primary, autosomal recessive. Last evaluated: 2023-04-11. Review status: criteria provided, single submitter. Criteria: ACMG Guidelines, 2015. Collection method: clinical testing. Allele origin: germline. Affected: no.

Labcorp Genetics (formerly Invitae), Labcorp
Classification: Likely benign. Last evaluated: 2022-12-07. Review status: criteria provided, single submitter. Criteria: Invitae Variant Classification Sherloc (09022015). Collection method: clinical testing. Allele origin: germline.

CeGaT Center for Human Genetics Tuebingen
Classification: Likely benign. Last evaluated: 2022-07-01. Review status: criteria provided, single submitter. Criteria: CeGaT Center For Human Genetics Tuebingen Variant Classification Criteria Version 2. Collection method: clinical testing. Allele origin: germline. Affected: yes. Observed: 1 variant allele.
Comment: ASPM: BP4, BP7

GeneDx
Classification: Likely benign. Last evaluated: 2017-06-09. Review status: criteria provided, single submitter. Criteria: GeneDx Variant Classification (06012015). Collection method: clinical testing. Allele origin: germline. Affected: yes.
Comment: This variant is considered likely benign or benign based on one or more of the following criteria: it is a conservative change, it occurs at a poorly conserved position in the protein, it is predicted to be benign by multiple in silico algorithms, and/or has population frequency not consistent with disease.